The following is an entry in ClinVar:

NM_001046.3(SLC12A2):c.1520T>C (p.Ile507Thr)

Gene: SLC12A2 (solute carrier family 12 member 2; plus strand). Cytogenetic location: 5q23.3.
Variant type: single nucleotide variant.
Coding change: c.1520T>C on transcript NM_001046.3 (MANE Select); coding-DNA position 1520, T replaced by C.
Protein change: p.Ile507Thr; replaces isoleucine 507 with threonine.
Molecular consequence: missense variant. On other transcripts: non-coding transcript variant (1).
Genome position (GRCh38, 1-based): chr5:128,138,708, T>C. VCF-style: chr5-128138708-T-C. GRCh37 (hg19) VCF-style: chr5-127474400-T-C.
Other names: c.1520T>C, p.Ile507Thr (NM_001256461.2); short protein forms I507T.
Identifiers: ClinVar variation 3365783 (VCV003365783.1).

ClinVar aggregate classification (germline): Uncertain significance (1 of 4 stars; one submission).

Submission:

GeneDx
Classification: Uncertain significance. Last evaluated: 2023-12-15. Review status: criteria provided, single submitter. Criteria: GeneDx Variant Classification Process June 2021. Collection method: clinical testing. Allele origin: germline. Affected: yes.
Comment: Has not been previously published as pathogenic or benign to our knowledge; In silico analysis supports that this missense variant has a deleterious effect on protein structure/function; Not observed at significant frequency in large population cohorts (gnomAD)